The following is an entry in ClinVar:

NM_032520.5(GNPTG):c.461_465del (p.Pro154fs)

Gene: GNPTG (N-acetylglucosamine-1-phosphate transferase subunit gamma; plus strand). Cytogenetic location: 16p13.3.
Variant type: Microsatellite.
Coding change: c.461_465del on transcript NM_032520.5 (MANE Select); coding-DNA positions 461 to 465, 5 bases deleted (CGAGC; older notation c.461_465delCGAGC).
Protein change: p.Pro154fs; shifts the reading frame from proline 154.
Molecular consequence: frameshift variant.
Genome position (GRCh38, 1-based): chr16:1,362,255-1,362,259, CGAGC deleted; deleting any 5 consecutive bases within chr16:1,362,249-1,362,259 gives the same sequence; the c. name uses the placement nearest the transcript's 3' end. VCF-style (leftmost placement, unchanged base first): chr16-1362248-TCCGAG-T. GRCh37 (hg19) VCF-style: chr16-1412249-TCCGAG-T.
Other names: c.461_465del (NM_032520.4); short protein forms P154fs.
Identifiers: ClinVar variation 3004658 (VCV003004658.4), dbSNP rs2548190056, ClinGen allele CA2630959747.
Genomic context (GRCh38, chr16:1,362,248, plus strand): 5'-CCCACGTTCCCTCCCCAGGTGGAGCTGGCGTGTGGAAAAAGCAACCGGCTGGCCCATGTG[TCCGAG>T]CCGAGCACCTGCGTCTACGCGCTGACGTTCGAGACCCCCCTCGTCTGCCACCCCCACGCC-3'

ClinVar aggregate classification (germline): Pathogenic/Likely pathogenic. Review status: criteria provided, multiple submitters, no conflicts (2 of 4 stars). 2 submissions from 2 submitters: Pathogenic (1); Likely pathogenic (1). Last evaluated 2025-10-07.

Conditions:
GNPTG-mucolipidosis. Also called: Mucolipidosis type III gamma; ML III GAMMA; ML IIIC; MUCOLIPIDOSIS III, COMPLEMENTATION GROUP C; MUCOLIPIDOSIS III, IRANIAN VARIANT FORM; MUCOLIPIDOSIS III, VARIANT FORM. Identifiers: Orphanet 423470, Orphanet 577, MedGen C1854896, MONDO:0009652, OMIM 252605.

Submissions (2):

Natera, Inc.
Classification: Likely pathogenic for Mucolipidosis III gamma. Last evaluated: 2025-10-07. Review status: criteria provided, single submitter. Criteria: Natera Variant Classification Schema (03/2026). Collection method: clinical testing. Allele origin: germline.
Comment: The c.461_465del variant in GNPTG is a frameshift variant predicted to shift the reading frame beginning at codon 154 and leads to a stop codon 43 codons downstream. This variant is expected to result in nonsense mediated decay, truncation, or a dysfunctional protein product. This variant is rare in the general population with a frequency below the threshold expected for the associated phenotype(s). Given the available evidence, this variant is classified as Likely Pathogenic.

Labcorp Genetics (formerly Invitae), Labcorp
Classification: Pathogenic. Last evaluated: 2023-11-14. Review status: criteria provided, single submitter. Criteria: Invitae Variant Classification Sherloc (09022015). Collection method: clinical testing. Allele origin: germline.
Comment: This sequence change creates a premature translational stop signal (p.Pro154Hisfs*43) in the GNPTG gene. It is expected to result in an absent or disrupted protein product. Loss-of-function variants in GNPTG are known to be pathogenic (PMID: 19370764, 20301784). This variant is not present in population databases (gnomAD no frequency). This variant has not been reported in the literature in individuals affected with GNPTG-related conditions. For these reasons, this variant has been classified as Pathogenic.

Literature cited by the submitters: PubMed 19370764 (cited by Labcorp Genetics (formerly Invitae), Labcorp); PubMed 20301784 (cited by Labcorp Genetics (formerly Invitae), Labcorp).